The following is an entry in ClinVar:

NM_006206.6(PDGFRA):c.296C>T (p.Thr99Ile)

Gene: PDGFRA (platelet derived growth factor receptor alpha; plus strand). Cytogenetic location: 4q12.
Variant type: single nucleotide variant.
Coding change: c.296C>T on transcript NM_006206.6 (MANE Select); coding-DNA position 296, C replaced by T.
Protein change: p.Thr99Ile; replaces threonine 99 with isoleucine.
Molecular consequence: missense variant.
Genome position (GRCh38, 1-based): chr4:54,261,341, C>T. VCF-style: chr4-54261341-C-T. GRCh37 (hg19) VCF-style: chr4-55127508-C-T.
Other names: c.296C>T, p.Thr99Ile (NM_001347827.2, NM_001347829.2); c.371C>T, p.Thr124Ile (NM_001347828.2); c.335C>T, p.Thr112Ile (NM_001347830.2); short protein forms T112I, T99I, T124I.
Identifiers: ClinVar variation 1798264 (VCV001798264.2), dbSNP rs2475423175, ClinGen allele CA356888837.

ClinVar aggregate classification (germline): Uncertain significance (1 of 4 stars; one submission).

Conditions:
Hereditary cancer-predisposing syndrome. Also called: Neoplastic Syndromes, Hereditary; Tumor predisposition; Hereditary Cancer Syndrome; Hereditary neoplastic syndrome. Identifiers: Orphanet 140162, MedGen C0027672, MeSH D009386, MONDO:0015356.

Allele frequency attached by ClinVar (database versions not stated): gnomAD exomes below 0.00001.
gnomAD v4.1: 2 of 1,613,972 alleles (0.00012%); highest among the groups gnomAD compares: South Asian, 0.0022%; no homozygotes.

Submission:

Ambry Genetics
Classification: Uncertain significance for Hereditary cancer-predisposing syndrome. Last evaluated: 2021-11-21. Review status: criteria provided, single submitter. Criteria: Ambry Variant Classification Scheme 2023. Collection method: clinical testing. Allele origin: germline.
Comment: The p.T99I variant (also known as c.296C>T), located in coding exon 2 of the PDGFRA gene, results from a C to T substitution at nucleotide position 296. The threonine at codon 99 is replaced by isoleucine, an amino acid with similar properties. This amino acid position is conserved. In addition, this alteration is predicted to be tolerated by in silico analysis. Since supporting evidence is limited at this time, the clinical significance of this alteration remains unclear.